The following is an entry in ClinVar:

NM_004360.5(CDH1):c.178_310dup (p.Asp104delinsValHisArgSerThrLysAspSerLeuPhePheProArgHisProIleGlnSerGlyHisArgTrpCysAspTyrSerGlnLysAlaSerThrValSerTer)

Gene: CDH1 (cadherin 1; plus strand). Cytogenetic location: 16q22.1.
Variant type: Duplication.
Coding change: c.178_310dup on transcript NM_004360.5 (MANE Select); coding-DNA positions 178 to 310, 133 bases duplicated.
Protein change: p.Asp104delinsValHisArgSerThrLysAspSerLeuPhePheProArgHisProIleGlnSerGlyHisArgTrpCysAspTyrSerGlnLysAlaSerThrValSerTer.
Molecular consequence: nonsense. On other transcripts: 5 prime UTR variant (2).
Genome position (GRCh38, 1-based): chr16:68,801,684-68,801,816, 133 bases duplicated. GRCh37 (hg19): chr16:68,835,587-68,835,719.
Other names: c.178_310dup, p.Asp104delinsValHisArgSerThrLysAspSerLeuPhePheProArgHisProIleGlnSerGlyHisArgTrpCysAspTyrSerGlnLysAlaSerThrValSerTer (NM_001317184.2); c.-1438_-1306dup (NM_001317185.2); c.-1642_-1510dup (NM_001317186.2).
Identifiers: ClinVar variation 4071391 (VCV004071391.1).

ClinVar aggregate classification (germline): Pathogenic (1 of 4 stars; one submission).

Conditions:
Hereditary diffuse gastric adenocarcinoma (HDGC). Also called: DIFFUSE GASTRIC AND LOBULAR BREAST CANCER SYNDROME. Identifiers: Orphanet 26106, MedGen C1708349, MONDO:0007648, OMIM 137215.

Submission:

Myriad Genetics, Inc.
Classification: Pathogenic for Hereditary diffuse gastric adenocarcinoma. Last evaluated: 2025-05-06. Review status: criteria provided, single submitter. Criteria: Myriad Autosomal Dominant, Autosomal Recessive and X-Linked Classification Criteria (2023). Collection method: clinical testing. Allele origin: unknown.
Comment: This variant is considered pathogenic. This variant creates a frameshift predicted to result in premature protein truncation.